The following is an entry in ClinVar:

NM_007315.4(STAT1):c.847T>A (p.Leu283Met)

Gene: STAT1 (signal transducer and activator of transcription 1; minus strand). Cytogenetic location: 2q32.2.
Variant type: single nucleotide variant.
Coding change: c.847T>A on transcript NM_007315.4 (MANE Select); coding-DNA position 847, T replaced by A.
Protein change: p.Leu283Met; replaces leucine 283 with methionine.
Molecular consequence: missense variant. On other transcripts: intron variant (1).
Genome position (GRCh38, 1-based): chr2:190,995,158, A>T on the plus strand (T>A on the coding strand, the complement: STAT1 is on the minus strand). VCF-style: chr2-190995158-A-T. GRCh37 (hg19) VCF-style: chr2-191859884-A-T.
Other names: c.853T>A, p.Leu285Met (NM_001384884.1, NM_001384881.1); c.847T>A, p.Leu283Met (NM_001384886.1, NM_001384887.1, NM_001384888.1 and 5 more transcripts); c.757T>A, p.Leu253Met (NM_001384890.1); c.883T>A, p.Leu295Met (NM_001384891.1); c.748T>A, p.Leu250Met (NM_001384883.1); c.785+2698T>A (NM_001384885.1); short protein forms L250M, L253M, L283M, L285M, L295M.
Identifiers: ClinVar variation 4783605 (VCV004783605.1).

ClinVar aggregate classification (germline): Uncertain significance (1 of 4 stars; one submission).

Conditions:
Autoimmune enteropathy and endocrinopathy - susceptibility to chronic infections syndrome. Also called: Immunodeficiency 31C; Immunodeficiency 31C, autosomal dominant. Identifiers: Orphanet 391487, MedGen C3279990, MONDO:0013599, OMIM 614162.
Mendelian susceptibility to mycobacterial diseases due to partial STAT1 deficiency. Also called: IMMUNODEFICIENCY 31A, MYCOBACTERIOSIS, AUTOSOMAL DOMINANT; STAT1 DEFICIENCY, AUTOSOMAL DOMINANT; Immunodeficiency 31a. Identifiers: Orphanet 319595, MedGen C4013950, MONDO:0013956, OMIM 614892.
Immunodeficiency 31B. Also called: STAT1 DEFICIENCY, AUTOSOMAL RECESSIVE; IMMUNODEFICIENCY 31B, MYCOBACTERIAL AND VIRAL INFECTIONS, AUTOSOMAL RECESSIVE. Identifiers: Orphanet 391311, MedGen C3151088, MONDO:0013427, OMIM 613796.

Submission:

Labcorp Genetics (formerly Invitae), Labcorp
Classification: Uncertain significance for Mendelian susceptibility to mycobacterial diseases due to partial STAT1 deficiency; Immunodeficiency 31B; Autoimmune enteropathy and endocrinopathy - susceptibility to chronic infections syndrome. Last evaluated: 2025-12-24. Review status: criteria provided, single submitter. Criteria: Invitae Variant Classification Sherloc (09022015). Collection method: clinical testing. Allele origin: germline.
Comment: This sequence change replaces leucine, which is neutral and non-polar, with methionine, which is neutral and non-polar, at codon 283 of the STAT1 protein (p.Leu283Met). This variant is not present in population databases (gnomAD no frequency). This missense change has been observed in individual(s) with autosomal dominant chronic mucocutaneous candidiasis (PMID: 26732859). An algorithm developed to predict the effect of missense changes on protein structure and function (PolyPhen-2) suggests that this variant is likely to be disruptive. This variant disrupts the p.Leu283 amino acid residue in STAT1. Other variant(s) that disrupt this residue have been determined to be pathogenic (PMID: 38758476). This suggests that this residue is clinically significant, and that variants that disrupt this residue are likely to be disease-causing. In summary, the available evidence is currently insufficient to determine the role of this variant in disease. Therefore, it has been classified as a Variant of Uncertain Significance.

Literature cited by the submitters: PubMed 26732859; PubMed 38758476.